The following is an entry in ClinVar:

NM_001394372.1(BICRA):c.4597G>A (p.Ala1533Thr)

Gene: BICRA (BRD4 interacting chromatin remodeling complex associated protein; plus strand). Cytogenetic location: 19q13.33.
Variant type: single nucleotide variant.
Coding change: c.4597G>A on transcript NM_001394372.1 (MANE Select); coding-DNA position 4597, G replaced by A.
Protein change: p.Ala1533Thr; replaces alanine 1533 with threonine.
Molecular consequence: missense variant.
Genome position (GRCh38, 1-based): chr19:47,702,329, G>A. VCF-style: chr19-47702329-G-A. GRCh37 (hg19) VCF-style: chr19-48205586-G-A.
Other names: c.4597G>A, p.Ala1533Thr (NM_015711.3); short protein forms A1533T.
Identifiers: ClinVar variation 2192987 (VCV002192987.4), dbSNP rs374985677, ClinGen allele CA9542465.

ClinVar aggregate classification (germline): Uncertain significance (1 of 4 stars; one submission).

Allele frequency attached by ClinVar (database versions not stated): gnomAD 0.00001; TOPMed 0.00001; ExAC 0.00002; gnomAD exomes 0.00002; ESP Exome Variant Server 0.00017.
gnomAD v4.1: 27 of 1,545,338 alleles (0.0017%); highest among the groups gnomAD compares: Non-Finnish European, 0.0023%; no homozygotes.

Submission:

Labcorp Genetics (formerly Invitae), Labcorp
Classification: Uncertain significance. Last evaluated: 2024-09-21. Review status: criteria provided, single submitter. Criteria: Invitae Variant Classification Sherloc (09022015). Collection method: clinical testing. Allele origin: germline.
Comment: This sequence change replaces alanine, which is neutral and non-polar, with threonine, which is neutral and polar, at codon 1533 of the GLTSCR1 protein (p.Ala1533Thr). The frequency data for this variant in the population databases is considered unreliable, as metrics indicate poor data quality at this position in the gnomAD database. This variant has not been reported in the literature in individuals affected with GLTSCR1-related conditions. ClinVar contains an entry for this variant (Variation ID: 2192987). An algorithm developed to predict the effect of missense changes on protein structure and function outputs the following: PolyPhen-2: "Benign". The threonine amino acid residue is found in multiple mammalian species, which suggests that this missense change does not adversely affect protein function. In summary, the available evidence is currently insufficient to determine the role of this variant in disease. Therefore, it has been classified as a Variant of Uncertain Significance.